The following is an entry in ClinVar:

NM_024422.6(DSC2):c.1750A>T (p.Ile584Phe)

Gene: DSC2 (desmocollin 2; minus strand). Cytogenetic location: 18q12.1.
Variant type: single nucleotide variant.
Coding change: c.1750A>T on transcript NM_024422.6 (MANE Select); coding-DNA position 1750, A replaced by T.
Protein change: p.Ile584Phe; replaces isoleucine 584 with phenylalanine.
Molecular consequence: missense variant.
Genome position (GRCh38, 1-based): chr18:31,074,821, T>A on the plus strand (A>T on the coding strand, the complement: DSC2 is on the minus strand). VCF-style: chr18-31074821-T-A. GRCh37 (hg19) VCF-style: chr18-28654787-T-A.
Other names: c.1750A>T, p.Ile584Phe (NM_004949.5); short protein forms I584F.
Identifiers: ClinVar variation 1305790 (VCV001305790.4), dbSNP rs755041461, ClinGen allele CA033098.

ClinVar aggregate classification (germline): Uncertain significance. Review status: criteria provided, multiple submitters, no conflicts (2 of 4 stars). 2 submissions from 2 submitters: Uncertain significance (2). Last evaluated 2021-12-17.

Conditions:
Arrhythmogenic right ventricular dysplasia 11. Also called: Arrhythmogenic right ventricular dysplasia 11 with mild palmoplantar keratoderma and woolly hair; Arrhythmogenic Right Ventricular Dysplasia/Cardiomyopathy11; ARRHYTHMOGENIC RIGHT VENTRICULAR DYSPLASIA, FAMILIAL, 11. Identifiers: MedGen C1864850, MONDO:0012506, OMIM 610476.

gnomAD v4.1: 16 of 1,613,928 alleles (0.00099%); highest among the groups gnomAD compares: Admixed American, 0.022%; no homozygotes.

Submissions (2):

Labcorp Genetics (formerly Invitae), Labcorp
Classification: Uncertain significance for Arrhythmogenic right ventricular dysplasia 11. Last evaluated: 2021-12-17. Review status: criteria provided, single submitter. Criteria: Invitae Variant Classification Sherloc (09022015). Collection method: clinical testing. Allele origin: germline.
Comment: This sequence change replaces isoleucine, which is neutral and non-polar, with phenylalanine, which is neutral and non-polar, at codon 584 of the DSC2 protein (p.Ile584Phe). This variant is present in population databases (rs755041461, gnomAD 0.01%). This variant has not been reported in the literature in individuals affected with DSC2-related conditions. ClinVar contains an entry for this variant (Variation ID: 1305790). Algorithms developed to predict the effect of missense changes on protein structure and function are either unavailable or do not agree on the potential impact of this missense change (SIFT: "Deleterious"; PolyPhen-2: "Possibly Damaging"; Align-GVGD: "Class C0"). In summary, the available evidence is currently insufficient to determine the role of this variant in disease. Therefore, it has been classified as a Variant of Uncertain Significance.

GeneDx
Classification: Uncertain significance. Last evaluated: 2019-05-10. Review status: criteria provided, single submitter. Criteria: GeneDx Variant Classification Process June 2021. Collection method: clinical testing. Allele origin: germline. Affected: yes.
Comment: Has not been previously published as pathogenic or benign to our knowledge; Not observed at a significant frequency in large population cohorts (Lek et al., 2016); In silico analysis, which includes protein predictors and evolutionary conservation, supports a deleterious effect